The following is an entry in ClinVar:

NM_181507.2(HPS5):c.398del (p.Thr133fs)

Gene: HPS5 (HPS5 biogenesis of lysosomal organelles complex 2 subunit 2; minus strand). Cytogenetic location: 11p15.1.
Variant type: Deletion.
Coding change: c.398del on transcript NM_181507.2 (MANE Select); coding-DNA position 398, one base deleted (C; older notation c.398delC).
Protein change: p.Thr133fs; shifts the reading frame from threonine 133.
Molecular consequence: frameshift variant.
Genome position (GRCh38, 1-based): chr11:18,310,820, G deleted on the plus strand (C on the coding strand, the reverse complement: HPS5 is on the minus strand). VCF-style (leftmost placement, unchanged base first): chr11-18310819-TG-T. GRCh37 (hg19) VCF-style: chr11-18332366-TG-T.
Other names: c.56del, p.Thr19fs (NM_007216.4); c.56delC, p.Thr19Lysfs (NM_181508.2); short protein forms T133fs, T19fs.
Identifiers: ClinVar variation 2757738 (VCV002757738.3), dbSNP rs2494190378, ClinGen allele CA2612733886.

ClinVar aggregate classification (germline): Pathogenic (1 of 4 stars; one submission).

Submission:

Labcorp Genetics (formerly Invitae), Labcorp
Classification: Pathogenic. Last evaluated: 2023-09-03. Review status: criteria provided, single submitter. Criteria: Invitae Variant Classification Sherloc (09022015). Collection method: clinical testing. Allele origin: germline.
Comment: This sequence change creates a premature translational stop signal (p.Thr133Lysfs*8) in the HPS5 gene. It is expected to result in an absent or disrupted protein product. Loss-of-function variants in HPS5 are known to be pathogenic (PMID: 12548288, 15296495, 21833017, 26785811). This variant is not present in population databases (gnomAD no frequency). This variant has not been reported in the literature in individuals affected with HPS5-related conditions. Algorithms developed to predict the effect of sequence changes on RNA splicing suggest that this variant may disrupt the consensus splice site. For these reasons, this variant has been classified as Pathogenic.

Literature cited by the submitters: PubMed 12548288; PubMed 15296495; PubMed 21833017; PubMed 26785811.